The following is an entry in ClinVar:

ClinVar aggregate classification (germline): Pathogenic (1 of 4 stars; one submission).

Conditions:
Hereditary cancer-predisposing syndrome. Also called: Neoplastic Syndromes, Hereditary; Tumor predisposition; Hereditary Cancer Syndrome; Hereditary neoplastic syndrome. Identifiers: Orphanet 140162, MedGen C0027672, MeSH D009386, MONDO:0015356.

Submission:

Ambry Genetics
Classification: Pathogenic for Hereditary cancer-predisposing syndrome. Last evaluated: 2025-07-16. Review status: criteria provided, single submitter. Criteria: Ambry Variant Classification Scheme 2023. Collection method: clinical testing. Allele origin: germline.
Comment: The p.L572* pathogenic mutation (also known as c.1715T>A), located in coding exon 10 of the ATM gene, results from a T to A substitution at nucleotide position 1715. This changes the amino acid from a leucine to a stop codon within coding exon 10. This variant is considered to be rare based on population cohorts in the Genome Aggregation Database (gnomAD). This alteration is expected to result in loss of function by premature protein truncation or nonsense-mediated mRNA decay. As such, this alteration is interpreted as a disease-causing mutation.

NM_000051.4(ATM):c.1715T>A (p.Leu572Ter)

Gene: ATM (ATM serine/threonine kinase; plus strand). Cytogenetic location: 11q22.3.
Variant type: single nucleotide variant.
Coding change: c.1715T>A on transcript NM_000051.4 (MANE Select); coding-DNA position 1715, T replaced by A.
Protein change: p.Leu572Ter; replaces leucine 572 with a stop codon.
Molecular consequence: nonsense.
Genome position (GRCh38, 1-based): chr11:108,251,944, T>A. VCF-style: chr11-108251944-T-A. GRCh37 (hg19) VCF-style: chr11-108122671-T-A.
Other names: c.1715T>A, p.Leu572Ter (NM_001351834.2); short protein forms L572*.
Identifiers: ClinVar variation 4169146 (VCV004169146.1).